The following is an entry in ClinVar:

ClinVar aggregate classification (germline): Uncertain significance (1 of 4 stars; one submission).

Conditions:
Charcot-Marie-Tooth disease type 4. Also called: Charcot-Marie-Tooth disease, type IV; Charcot-Marie-Tooth, Type 4. Identifiers: Orphanet 64749, MedGen C4082197, MONDO:0018995.

Submission:

Labcorp Genetics (formerly Invitae), Labcorp
Classification: Uncertain significance for Charcot-Marie-Tooth disease type 4. Last evaluated: 2023-06-30. Review status: criteria provided, single submitter. Criteria: Invitae Variant Classification Sherloc (09022015). Collection method: clinical testing. Allele origin: germline.
Comment: This variant is not present in population databases (gnomAD no frequency). This variant has not been reported in the literature in individuals affected with SH3TC2-related conditions. ClinVar contains an entry for this variant (Variation ID: 940989). Advanced modeling of protein sequence and biophysical properties (such as structural, functional, and spatial information, amino acid conservation, physicochemical variation, residue mobility, and thermodynamic stability) has been performed at Invitae for this missense variant, however the output from this modeling did not meet the statistical confidence thresholds required to predict the impact of this variant on SH3TC2 protein function. In summary, the available evidence is currently insufficient to determine the role of this variant in disease. Therefore, it has been classified as a Variant of Uncertain Significance. This sequence change replaces proline, which is neutral and non-polar, with serine, which is neutral and polar, at codon 654 of the SH3TC2 protein (p.Pro654Ser).

NM_024577.4(SH3TC2):c.1960C>T (p.Pro654Ser)

Gene: SH3TC2 (SH3 domain and tetratricopeptide repeats 2; minus strand). Cytogenetic location: 5q32.
Variant type: single nucleotide variant.
Coding change: c.1960C>T on transcript NM_024577.4 (MANE Select); coding-DNA position 1960, C replaced by T.
Protein change: p.Pro654Ser; replaces proline 654 with serine.
Molecular consequence: missense variant.
Genome position (GRCh38, 1-based): chr5:149,027,772, G>A on the plus strand (C>T on the coding strand, the complement: SH3TC2 is on the minus strand). VCF-style: chr5-149027772-G-A. GRCh37 (hg19) VCF-style: chr5-148407335-G-A.
Other names: short protein forms P654S.
Identifiers: ClinVar variation 940989 (VCV000940989.9), dbSNP rs1754098320, ClinGen allele CA361667373.